The following is an entry in ClinVar:

NM_003245.4(TGM3):c.1914G>C (p.Leu638=)

Gene: TGM3 (transglutaminase 3; plus strand). Cytogenetic location: 20p13.
Variant type: single nucleotide variant.
Coding change: c.1914G>C on transcript NM_003245.4 (MANE Select); coding-DNA position 1914, G replaced by C.
Protein change: p.Leu638=; no amino-acid change (leucine 638 retained).
Molecular consequence: synonymous variant.
Genome position (GRCh38, 1-based): chr20:2,339,967, G>C. VCF-style: chr20-2339967-G-C. GRCh37 (hg19) VCF-style: chr20-2320613-G-C.
Identifiers: ClinVar variation 3352655 (VCV003352655.2).

ClinVar aggregate classification (germline): Likely benign. Review status: criteria provided, single submitter (1 of 4 stars). 2 submissions from 2 submitters: Likely benign (1). 1 of the submissions does not count toward it. Last evaluated 2024-11-14.

Conditions:
TGM3-related disorder. Also called: TGM3-related condition.

gnomAD v4.1: 1,352 of 1,477,794 alleles (0.091%); highest among the groups gnomAD compares: Non-Finnish European, 0.11%; 2 homozygotes.

Submissions (2):

Blueprint Genetics
Classification: Likely benign. Last evaluated: 2024-11-14. Review status: criteria provided, single submitter. Criteria: ACMG Guidelines, 2015. Collection method: clinical testing. Allele origin: germline.

PreventionGenetics, part of Exact Sciences
Classification: Likely benign for TGM3-related condition. Last evaluated: 2024-05-01. Review status: no assertion criteria provided. Collection method: clinical testing. Allele origin: germline. Not counted in ClinVar's aggregate classification.
Comment: This variant is classified as likely benign based on ACMG/AMP sequence variant interpretation guidelines (Richards et al. 2015 PMID: 25741868, with internal and published modifications).